The following is an entry in ClinVar:

ClinVar aggregate classification (germline): Uncertain significance. Review status: criteria provided, multiple submitters, no conflicts (2 of 4 stars). 2 submissions from 2 submitters: Uncertain significance (2). Last evaluated 2026-04-14.

Conditions:
Inborn genetic diseases. Identifiers: MedGen C0950123, MeSH D030342.

Submissions (2):

Ambry Genetics
Classification: Uncertain significance for Inborn genetic diseases. Last evaluated: 2026-04-14. Review status: criteria provided, single submitter. Criteria: Ambry Variant Classification Scheme 2023. Collection method: clinical testing. Allele origin: germline.

Labcorp Genetics (formerly Invitae), Labcorp
Classification: Uncertain significance. Last evaluated: 2024-07-19. Review status: criteria provided, single submitter. Criteria: Invitae Variant Classification Sherloc (09022015). Collection method: clinical testing. Allele origin: germline.
Comment: This sequence change replaces arginine, which is basic and polar, with leucine, which is neutral and non-polar, at codon 351 of the FBLN5 protein (p.Arg351Leu). This variant is not present in population databases (gnomAD no frequency). This variant has not been reported in the literature in individuals affected with FBLN5-related conditions. Advanced modeling of protein sequence and biophysical properties (such as structural, functional, and spatial information, amino acid conservation, physicochemical variation, residue mobility, and thermodynamic stability) performed at Invitae indicates that this missense variant is not expected to disrupt FBLN5 protein function with a negative predictive value of 80%. In summary, the available evidence is currently insufficient to determine the role of this variant in disease. Therefore, it has been classified as a Variant of Uncertain Significance.

NM_006329.4(FBLN5):c.1052G>T (p.Arg351Leu)

Gene: FBLN5 (fibulin 5; minus strand). Cytogenetic location: 14q32.12.
Variant type: single nucleotide variant.
Coding change: c.1052G>T on transcript NM_006329.4 (MANE Select); coding-DNA position 1052, G replaced by T.
Protein change: p.Arg351Leu; replaces arginine 351 with leucine.
Molecular consequence: missense variant.
Genome position (GRCh38, 1-based): chr14:91,877,620, C>A on the plus strand (G>T on the coding strand, the complement: FBLN5 is on the minus strand). VCF-style: chr14-91877620-C-A. GRCh37 (hg19) VCF-style: chr14-92343964-C-A.
Other names: c.1175G>T, p.Arg392Leu (NM_001384158.1); c.1103G>T, p.Arg368Leu (NM_001384159.1); c.1052G>T, p.Arg351Leu (NM_001384160.1); c.884G>T, p.Arg295Leu (NM_001384161.1, NM_001384162.1); short protein forms R392L, R368L, R295L, R351L.
Identifiers: ClinVar variation 3659981 (VCV003659981.3).
Genomic context (GRCh38, chr14:91,877,620, plus strand): 5'-GTGGCTTGCATTTGGAAGATGTCAGCGGGAACGGAGCGTCCTGACACCACGTCCATGTCC[C>A]GGTACAAGATGGTAAAGGGCTGGTCTCTGCAGCCAGGGTTCTCAGCAGGACACATACAGC-3'
Protein context (NP_006320.2, residues 341-361): CRDQPFTILY[Arg351Leu]DMDVVSGRSV